The following is an entry in ClinVar:

ClinVar aggregate classification (germline): Pathogenic (1 of 4 stars; one submission).

Submission:

GeneDx
Classification: Pathogenic. Last evaluated: 2016-09-12. Review status: criteria provided, single submitter. Criteria: GeneDx Variant Classification (06012015). Collection method: clinical testing. Allele origin: germline. Affected: yes.
Comment: The de novo S379X pathogenic variant in the SON gene has not been reported previously as apathogenic variant nor as a benign variant, to our knowledge. This variant is predicted to cause loss ofnormal protein function either through protein truncation or nonsense-mediated mRNA decay. TheS379X variant was not observed in approximately 6500 individuals of European and African Americanancestry in the NHLBI Exome Sequencing Project, indicating it is not a common benign variant inthese populations. We interpret the S379X variant in the SON gene as a pathogenic variant.

NM_138927.4(SON):c.1136C>A (p.Ser379Ter)

Gene: SON (SON DNA and RNA binding protein; plus strand). Cytogenetic location: 21q22.11.
Variant type: single nucleotide variant.
Coding change: c.1136C>A on transcript NM_138927.4 (MANE Select); coding-DNA position 1136, C replaced by A.
Protein change: p.Ser379Ter; replaces serine 379 with a stop codon.
Molecular consequence: nonsense. On other transcripts: non-coding transcript variant (1), intron variant (1).
Genome position (GRCh38, 1-based): chr21:33,550,367, C>A. VCF-style: chr21-33550367-C-A. GRCh37 (hg19) VCF-style: chr21-34922673-C-A.
Other names: c.1136C>A, p.Ser379Ter (NM_001291411.2, NM_032195.3); c.244+3988C>A (NM_001291412.3); short protein forms S379*.
Identifiers: ClinVar variation 280834 (VCV000280834.2), dbSNP rs886041970, ClinGen allele CA10603545.